The following is an entry in ClinVar:

NM_020365.5(EIF2B3):c.783A>C (p.Leu261Phe)

Gene: EIF2B3 (eukaryotic translation initiation factor 2B subunit gamma; minus strand). Cytogenetic location: 1p34.1.
Variant type: single nucleotide variant.
Coding change: c.783A>C on transcript NM_020365.5 (MANE Select); coding-DNA position 783, A replaced by C.
Protein change: p.Leu261Phe; replaces leucine 261 with phenylalanine.
Molecular consequence: missense variant.
Genome position (GRCh38, 1-based): chr1:44,881,613, T>G on the plus strand (A>C on the coding strand, the complement: EIF2B3 is on the minus strand). VCF-style: chr1-44881613-T-G. GRCh37 (hg19) VCF-style: chr1-45347285-T-G.
Other names: c.783A>C, p.Leu261Phe (NM_001166588.3, NM_001261418.2); short protein forms L261F.
Identifiers: ClinVar variation 2638783 (VCV002638783.24), dbSNP rs2522329085, ClinGen allele CA340119927.
Genomic context (GRCh38, chr1:44,881,613, plus strand): 5'-ACTCTTTCCAAAGGTGCTGCTACCCTTGCCCCTCTTACTGAACCAACCCAAGAACTGACC[T>G]AAGGACTTCAGCTCCTTTTTCTTTAGATCCTCCTCTTTTTCTTCTTGTCCCTGTTGTGAG-3'
Protein context (NP_065098.1, residues 251-271): EDLKKKELKS[Leu261Phe]DIYSFIKEAN

ClinVar aggregate classification (germline): Uncertain significance (1 of 4 stars; one submission).

Submission:

CeGaT Center for Human Genetics Tuebingen
Classification: Uncertain significance. Last evaluated: 2023-10-01. Review status: criteria provided, single submitter. Criteria: CeGaT Center For Human Genetics Tuebingen Variant Classification Criteria Version 2. Collection method: clinical testing. Allele origin: germline. Affected: yes. Observed: 1 variant allele.
Comment: EIF2B3: PM2, BP4